The following is an entry in ClinVar:

ClinVar aggregate classification (germline): Conflicting classifications of pathogenicity. Review status: criteria provided, conflicting classifications (1 of 4 stars). 2 submissions from 2 submitters: Likely pathogenic (1); Uncertain significance (1). Last evaluated 2022-02-16.

Conditions:
Neurofibromatosis, type 1 (NF1). Also called: VON RECKLINGHAUSEN DISEASE; NEUROFIBROMATOSIS, TYPE I, SOMATIC; Peripheral type neurofibromatosis; Neurofibromatosis, type I. Identifiers: Orphanet 636, MedGen C0027831, MONDO:0018975, OMIM 162200. Disease mechanism: loss of function.

Submissions (2):

GeneDx
Classification: Uncertain significance. Last evaluated: 2022-02-16. Review status: criteria provided, single submitter. Criteria: GeneDx Variant Classification Process June 2021. Collection method: clinical testing. Allele origin: germline. Affected: yes.
Comment: Not observed at significant frequency in large population cohorts (gnomAD); In silico analysis supports that this missense variant has a deleterious effect on protein structure/function; Observed in an individual with neurofibromatosis type 1 (van Minkelen 2014); This variant is associated with the following publications: (PMID: 23656349)

Labcorp Genetics (formerly Invitae), Labcorp
Classification: Likely pathogenic for Neurofibromatosis, type 1. Last evaluated: 2020-09-21. Review status: criteria provided, single submitter. Criteria: Invitae Variant Classification Sherloc (09022015). Collection method: clinical testing. Allele origin: germline.
Comment: In summary, the currently available evidence indicates that the variant is pathogenic, but additional data are needed to prove that conclusively. Therefore, this variant has been classified as Likely Pathogenic. Algorithms developed to predict the effect of missense changes on protein structure and function are either unavailable or do not agree on the potential impact of this missense change (SIFT: "Tolerated"; PolyPhen-2: "Probably Damaging"; Align-GVGD: "Class C0"). This variant has been observed in individual(s) with neurofibromatosis type 1 (PMID: 23656349, Invitae). It has also been observed to segregate with disease in related individuals. ClinVar contains an entry for this variant (Variation ID: 527558). This variant is not present in population databases (ExAC no frequency). This sequence change replaces histidine with proline at codon 2084 of the NF1 protein (p.His2084Pro). The histidine residue is moderately conserved and there is a moderate physicochemical difference between histidine and proline.

Literature cited by the submitters: PubMed 23656349 (cited by Labcorp Genetics (formerly Invitae), Labcorp).

NM_001042492.3(NF1):c.6314A>C (p.His2105Pro)

Gene: NF1 (neurofibromin 1; plus strand). Cytogenetic location: 17q11.2.
Variant type: single nucleotide variant.
Coding change: c.6314A>C on transcript NM_001042492.3 (MANE Select); coding-DNA position 6314, A replaced by C.
Protein change: p.His2105Pro; replaces histidine 2105 with proline.
Molecular consequence: missense variant.
Genome position (GRCh38, 1-based): chr17:31,336,801, A>C. VCF-style: chr17-31336801-A-C. GRCh37 (hg19) VCF-style: chr17-29663819-A-C.
Other names: c.6251A>C, p.His2084Pro (NM_000267.4); short protein forms H2105P, H2084P.
Identifiers: ClinVar variation 527558 (VCV000527558.7), dbSNP rs1555534726, ClinGen allele CA399012674.